The following is an entry in ClinVar:

NM_001384140.1(PCDH15):c.1306-4122G>A

Gene: PCDH15 (protocadherin related 15; minus strand). Cytogenetic location: 10q21.1.
Variant type: single nucleotide variant.
Coding change: c.1306-4122G>A on transcript NM_001384140.1 (MANE Select); 4122 bases into the intron before coding-DNA position 1306, G replaced by A.
Molecular consequence: intron variant.
Genome position (GRCh38, 1-based): chr10:54,189,390, C>T on the plus strand (G>A on the coding strand, the complement: PCDH15 is on the minus strand). VCF-style: chr10-54189390-C-T. GRCh37 (hg19) VCF-style: chr10-55949150-C-T.
Other names: c.1306-4122G>A (NM_001354420.2, NM_001354429.2, NM_001142772.2 and 6 more transcripts); c.1321-4122G>A (NM_001142771.2, NM_001142763.2); c.1306-6G>A (NM_001354411.2); c.1321-6G>A (NM_001142769.3); c.1240-4122G>A (NM_001354404.2, NM_001142773.2, NM_001142768.2); c.1195-4122G>A (NM_001142767.2).
Identifiers: ClinVar variation 733736 (VCV000733736.4), dbSNP rs370242062, ClinGen allele CA5506439.

ClinVar aggregate classification (germline): Likely benign. Review status: criteria provided, multiple submitters, no conflicts (2 of 4 stars). 2 submissions from 2 submitters: Likely benign (2). Last evaluated 2026-04-06.

Conditions:
PCDH15-related disorder. Also called: PCDH15-related disorders; PCDH15-related condition.

Allele frequency attached by ClinVar (database versions not stated): gnomAD exomes 0.00002 and 0.00003; ESP Exome Variant Server 0.00019; 1000 Genomes Project 0.00020; 1000 Genomes Project 30x 0.00031; ExAC 0.00007; gnomAD 0.00007; TOPMed 0.00013.
gnomAD v4.1: 39 of 1,536,756 alleles (0.0025%); highest among the groups gnomAD compares: African/African-American, 0.026%; no homozygotes.

Submissions (2):

PreventionGenetics, part of Exact Sciences
Classification: Likely benign for PCDH15-related condition. Last evaluated: 2026-04-06. Review status: criteria provided, single submitter. Criteria: ACMG Guidelines, 2015. Collection method: clinical testing. Allele origin: germline.
Comment: This variant is classified as likely benign based on ACMG/AMP sequence variant interpretation guidelines (Richards et al. 2015 PMID: 25741868, with internal and published modifications).

Labcorp Genetics (formerly Invitae), Labcorp
Classification: Likely benign. Last evaluated: 2017-11-01. Review status: criteria provided, single submitter. Criteria: Invitae Variant Classification Sherloc (09022015). Collection method: clinical testing. Allele origin: germline.